The following is an entry in ClinVar:

ClinVar aggregate classification (germline): Pathogenic (1 of 4 stars; one submission).

Submission:

Labcorp Genetics (formerly Invitae), Labcorp
Classification: Pathogenic. Last evaluated: 2022-09-01. Review status: criteria provided, single submitter. Criteria: Invitae Variant Classification Sherloc (09022015). Collection method: clinical testing. Allele origin: germline.
Comment: ClinVar contains an entry for this variant (Variation ID: 1428016). This variant has not been reported in the literature in individuals affected with NEXMIF-related conditions. This variant is not present in population databases (gnomAD no frequency). This sequence change creates a premature translational stop signal (p.Gln980*) in the NEXMIF gene. It is expected to result in an absent or disrupted protein product. Loss-of-function variants in NEXMIF are known to be pathogenic (PMID: 23615299). For these reasons, this variant has been classified as Pathogenic. Algorithms developed to predict the effect of sequence changes on RNA splicing suggest that this variant may create or strengthen a splice site.

Literature cited by the submitters: PubMed 23615299.

NM_001008537.3(NEXMIF):c.2938C>T (p.Gln980Ter)

Gene: NEXMIF (neurite extension and migration factor; minus strand). Cytogenetic location: Xq13.3.
Variant type: single nucleotide variant.
Coding change: c.2938C>T on transcript NM_001008537.3 (MANE Select); coding-DNA position 2938, C replaced by T.
Protein change: p.Gln980Ter; replaces glutamine 980 with a stop codon.
Molecular consequence: nonsense.
Genome position (GRCh38, 1-based): chrX:74,741,619, G>A on the plus strand (C>T on the coding strand, the complement: NEXMIF is on the minus strand). VCF-style: chrX-74741619-G-A. GRCh37 (hg19) VCF-style: chrX-73961454-G-A.
Other names: short protein forms Q980*.
Identifiers: ClinVar variation 1428016 (VCV001428016.6), dbSNP rs369835611, ClinGen allele CA413667088.